The following is an entry in ClinVar:

GRCh38/hg38 4p16.3-16.2(chr4:72555-5034991)x1

Genes: LRPAP1 (LDL receptor related protein associated protein 1; minus strand), LYAR (Ly1 antibody reactive; minus strand), MAEA (macrophage erythroblast attacher, E3 ubiquitin ligase; plus strand), MIR4800 (microRNA 4800; minus strand), MIR571 (microRNA 571; plus strand) and 323 more. Cytogenetic location: 4p16.3-16.2.
Variant type: copy number loss.
Change: copy number 1 (one copy instead of two) of chr4:72,555-5,034,991 (4.96 Mb, GRCh38 coordinates, 1-based), cytogenetic band 4p16.3-16.2.
Identifiers: ClinVar variation 57929 (VCV000057929.1).

ClinVar aggregate classification (germline): Pathogenic (1 of 4 stars; one submission).

Submission:

ISCA site 17
Classification: Pathogenic. Last evaluated: 2011-08-12. Review status: criteria provided, single submitter. Criteria: Kaminsky et al. (Genet Med. 2011). Collection method: clinical testing. Allele origin: unknown. Affected: yes. Observed: 1 variant allele.
Comment: Copy number variation identified through the course of routine clinical cytogenomic testing in postnatal populations. Clinical assertions have been curated as described in Kaminsky et al. 2011.